The following is an entry in ClinVar:

NM_153676.4(USH1C):c.2312dup (p.Val772fs)

Gene: USH1C (USH1 protein network component harmonin; minus strand). Cytogenetic location: 11p15.1.
Variant type: Duplication.
Coding change: c.2312dup on transcript NM_153676.4 (MANE Select); coding-DNA position 2312, one base duplicated (G; older notation c.2312dupG).
Protein change: p.Val772fs; shifts the reading frame from valine 772.
Molecular consequence: frameshift variant. On other transcripts: non-coding transcript variant (1), intron variant (1).
Genome position (GRCh38, 1-based): chr11:17,501,119, C duplicated on the plus strand (G on the coding strand, the reverse complement: USH1C is on the minus strand); the first of 2 consecutive C bases (chr11:17,501,119-17,501,120); duplicating either gives the same sequence. VCF-style (leftmost placement, unchanged base first): chr11-17501118-A-AC. GRCh37 (hg19) VCF-style: chr11-17522665-A-AC.
Other names: c.1355dup, p.Val453fs (NM_001297764.2); c.1598dup, p.Val534fs (NM_001440679.1); c.1565dup, p.Val523fs (NM_001440680.1); c.1541dup, p.Val515fs (NM_001440681.1); c.1412dup, p.Val472fs (NM_001440682.1, NM_001440685.1, NM_005709.4); c.1463dup, p.Val489fs (NM_001440683.1); c.1445dup, p.Val483fs (NM_001440684.1); c.1388dup, p.Val464fs (NM_001440686.1); and 1 more; short protein forms V453fs, V464fs, V472fs, V483fs, V489fs, V515fs, V523fs, V534fs.
Identifiers: ClinVar variation 5011860 (VCV005011860.1).
Genomic context (GRCh38, chr11:17,501,118, plus strand): 5'-CTCAGCAGCTCCCCGCTCATACACAGCAGAAACGACCACCTTCCCAATGGGGGAGTCCAC[A>AC]CCGCCTTCCAGGGCCAGGTCTAAGGATCCCTCCTGGTTAGAGGAAAACAGGCCTTAGGGA-3'

ClinVar aggregate classification (germline): Pathogenic (1 of 4 stars; one submission).

Conditions:
Usher syndrome type 1C. Also called: USHER SYNDROME, TYPE I, ACADIAN VARIETY. Identifiers: Orphanet 231169, Orphanet 886, MedGen C1848604, MONDO:0010171, OMIM 276904.

Submission:

Myriad Genetics, Inc.
Classification: Pathogenic for Usher syndrome type 1C. Last evaluated: 2023-09-27. Review status: criteria provided, single submitter. Criteria: Myriad Autosomal Dominant, Autosomal Recessive and X-Linked Classification Criteria (2023). Collection method: clinical testing. Allele origin: unknown.
Comment: NM_005709.3(USH1C):c.1412dupG(V472Cfs*15) is expected to be pathogenic in the context of USH1C-related disorders. This variant is predicted to lead to an abnormal or absent protein product due to the creation of a premature termination codon in USH1C, a gene where loss-of-function variants are known to be pathogenic. Please note: this variant was assessed in the context of healthy population screening.